The following is an entry in ClinVar:

NM_003482.4(KMT2D):c.8924G>A (p.Arg2975His)

Gene: KMT2D (lysine methyltransferase 2D; minus strand). Cytogenetic location: 12q13.12.
Variant type: single nucleotide variant.
Coding change: c.8924G>A on transcript NM_003482.4 (MANE Select); coding-DNA position 8924, G replaced by A.
Protein change: p.Arg2975His; replaces arginine 2975 with histidine.
Molecular consequence: missense variant.
Genome position (GRCh38, 1-based): chr12:49,038,432, C>T on the plus strand (G>A on the coding strand, the complement: KMT2D is on the minus strand). VCF-style: chr12-49038432-C-T. GRCh37 (hg19) VCF-style: chr12-49432215-C-T.
Other names: c.8924G>A (NM_003482.3); short protein forms R2975H.
Identifiers: ClinVar variation 196893 (VCV000196893.11), dbSNP rs770885860, ClinGen allele CA244676.

ClinVar aggregate classification (germline): Conflicting classifications of pathogenicity. Review status: criteria provided, conflicting classifications (1 of 4 stars). 4 submissions from 4 submitters: Uncertain significance (3); Benign (1). Last evaluated 2025-05-29.

Conditions:
KMT2D-related disorder. Also called: KMT2D-Related Disorders.
Kabuki syndrome. Also called: Kabuki make-up syndrome; NIIKAWA-KUROKI SYNDROME. Identifiers: Orphanet 2322, MedGen C0796004, MONDO:0016512.

Allele frequency attached by ClinVar (database versions not stated): gnomAD exomes 0.00001; ExAC 0.00002; gnomAD 0.00002; TOPMed 0.00002.
gnomAD v4.1: 23 of 1,612,366 alleles (0.0014%); highest among the groups gnomAD compares: Middle Eastern, 0.016%; no homozygotes.

Submissions (4):

Women's Health and Genetics/Laboratory Corporation of America, LabCorp
Classification: Uncertain significance. Last evaluated: 2025-05-29. Review status: criteria provided, single submitter. Criteria: LabCorp Variant Classification Summary - May 2015. Collection method: clinical testing. Allele origin: germline.
Comment: Variant summary: KMT2D c.8924G>A (p.Arg2975His) results in a non-conservative amino acid change in the encoded protein sequence. Algorithms developed to predict the effect of missense changes on protein structure and function are either unavailable or do not agree on the potential impact of this missense change. The variant allele was found at a frequency of 8e-06 in 248468 control chromosomes (gnomAD). The available data on variant occurrences in the general population are insufficient to allow any conclusion about variant significance. To our knowledge, no occurrence of c.8924G>A in individuals affected with Kabuki Syndrome 1 and no experimental evidence demonstrating its impact on protein function have been reported. ClinVar contains an entry for this variant (Variation ID: 196893). Based on the evidence outlined above, the variant was classified as uncertain significance.

PreventionGenetics, part of Exact Sciences
Classification: Uncertain significance for KMT2D-related condition. Last evaluated: 2025-05-07. Review status: criteria provided, single submitter. Criteria: ACMG Guidelines, 2015. Collection method: clinical testing. Allele origin: germline.
Comment: The KMT2D c.8924G>A variant is predicted to result in the amino acid substitution p.Arg2975His. To our knowledge, this variant has not been reported in the literature. This variant is reported in 0.0041% of alleles in individuals of African descent in gnomAD. Although we suspect that this variant may be benign, at this time, the clinical significance of this variant is uncertain due to the absence of conclusive functional and genetic evidence.

Labcorp Genetics (formerly Invitae), Labcorp
Classification: Benign for Kabuki syndrome. Last evaluated: 2024-11-05. Review status: criteria provided, single submitter. Criteria: Invitae Variant Classification Sherloc (09022015). Collection method: clinical testing. Allele origin: germline.

Eurofins Ntd Llc (ga)
Classification: Uncertain significance. Last evaluated: 2014-11-06. Review status: criteria provided, single submitter. Criteria: EGL Classification Definitions 2015. Collection method: clinical testing. Allele origin: germline. Observed: 1 variant allele, 1 heterozygote.